The following is an entry in ClinVar:

NM_000282.4(PCCA):c.1615A>G (p.Arg539Gly)

Gene: PCCA (propionyl-CoA carboxylase subunit alpha; plus strand). Cytogenetic location: 13q32.3.
Variant type: single nucleotide variant.
Coding change: c.1615A>G on transcript NM_000282.4 (MANE Select); coding-DNA position 1615, A replaced by G.
Protein change: p.Arg539Gly; replaces arginine 539 with glycine.
Molecular consequence: missense variant. On other transcripts: non-coding transcript variant (5).
Genome position (GRCh38, 1-based): chr13:100,340,231, A>G. VCF-style: chr13-100340231-A-G. GRCh37 (hg19) VCF-style: chr13-100992485-A-G.
Other names: c.1537A>G, p.Arg513Gly (NM_001127692.3, NM_001352607.2); c.1615A>G, p.Arg539Gly (NM_001178004.2, NM_001352605.2, NM_001352609.2); c.1471A>G, p.Arg491Gly (NM_001352606.2); c.1393A>G, p.Arg465Gly (NM_001352608.2); c.670A>G, p.Arg224Gly (NM_001352610.2, NM_001352611.2); c.526A>G, p.Arg176Gly (NM_001352612.2); short protein forms R224G, R513G, R491G, R539G, R176G, R465G.
Identifiers: ClinVar variation 1418813 (VCV001418813.6), dbSNP rs2071094349, ClinGen allele CA388696455.

ClinVar aggregate classification (germline): Uncertain significance (1 of 4 stars; one submission).

Conditions:
Propionic acidemia (PROP). Also called: KETOTIC HYPERGLYCINEMIA; GLYCINEMIA, KETOTIC; HYPERGLYCINEMIA WITH KETOACIDOSIS AND LEUKOPENIA. Identifiers: Orphanet 35, MedGen C0268579, MONDO:0011628, OMIM 606054, HP:0003571.

Allele frequency attached by ClinVar (database versions not stated): gnomAD 0.00001.

Submission:

Labcorp Genetics (formerly Invitae), Labcorp
Classification: Uncertain significance for Propionic acidemia. Last evaluated: 2023-03-23. Review status: criteria provided, single submitter. Criteria: Invitae Variant Classification Sherloc (09022015). Collection method: clinical testing. Allele origin: germline.
Comment: In summary, the available evidence is currently insufficient to determine the role of this variant in disease. Therefore, it has been classified as a Variant of Uncertain Significance. Algorithms developed to predict the effect of sequence changes on RNA splicing suggest that this variant may disrupt the consensus splice site. Advanced modeling of protein sequence and biophysical properties (such as structural, functional, and spatial information, amino acid conservation, physicochemical variation, residue mobility, and thermodynamic stability) has been performed at Invitae for this missense variant, however the output from this modeling did not meet the statistical confidence thresholds required to predict the impact of this variant on PCCA protein function. ClinVar contains an entry for this variant (Variation ID: 1418813). This variant has not been reported in the literature in individuals affected with PCCA-related conditions. This variant is not present in population databases (gnomAD no frequency). This sequence change replaces arginine, which is basic and polar, with glycine, which is neutral and non-polar, at codon 539 of the PCCA protein (p.Arg539Gly).